The following is an entry in ClinVar:

NM_000179.3(MSH6):c.2940_2941dup (p.Ile981fs)

Gene: MSH6 (mutS homolog 6; plus strand). Cytogenetic location: 2p16.3.
Variant type: Duplication.
Coding change: c.2940_2941dup on transcript NM_000179.3 (MANE Select); coding-DNA positions 2940 to 2941, 2 bases duplicated (AA; older notation c.2940_2941dupAA).
Protein change: p.Ile981fs; shifts the reading frame from isoleucine 981.
Molecular consequence: frameshift variant.
Genome position (GRCh38, 1-based): chr2:47,800,923-47,800,924, AA duplicated; duplicating any 2 consecutive bases within chr2:47,800,922-47,800,924 gives the same sequence; the c. name uses the placement nearest the transcript's 3' end. VCF-style (leftmost placement, unchanged base first): chr2-47800921-G-GAA. GRCh37 (hg19) VCF-style: chr2-48028060-G-GAA.
Other names: c.2550_2551dup, p.Ile851fs (NM_001281492.2); c.2034_2035dup, p.Ile679fs (NM_001281493.2, NM_001281494.2); c.3036_3037dup, p.Ile1013Lysfs (NM_001406795.1, NM_001406802.1); c.2940_2941dup, p.Ile981Lysfs (NM_001406796.1, NM_001406798.1, NM_001406800.1 and 2 more transcripts); c.2643_2644dup, p.Ile882Lysfs (NM_001406797.1, NM_001406801.1, NM_001406805.1 and 10 more transcripts); c.2415_2416dup, p.Ile806Lysfs (NM_001406799.1, NM_001406806.1, NM_001406807.1); c.2862_2863dup, p.Ile955Lysfs (NM_001406804.1); c.2034_2035dup, p.Ile679Lysfs (NM_001406811.1, NM_001406812.1, NM_001406814.1 and 4 more transcripts); and 4 more; short protein forms I679fs, I851fs, I981fs.
Identifiers: ClinVar variation 1797908 (VCV001797908.3), dbSNP rs2530702959, ClinGen allele CA2580068110.

ClinVar aggregate classification (germline): Pathogenic. Review status: criteria provided, multiple submitters, no conflicts (2 of 4 stars). 2 submissions from 2 submitters: Pathogenic (2). Last evaluated 2023-08-21.

Conditions:
Hereditary cancer-predisposing syndrome. Also called: Neoplastic Syndromes, Hereditary; Tumor predisposition; Hereditary Cancer Syndrome; Hereditary neoplastic syndrome. Identifiers: Orphanet 140162, MedGen C0027672, MeSH D009386, MONDO:0015356.
Lynch syndrome 5 (LYNCH5). Also called: Colorectal cancer, hereditary nonpolyposis, type 5; Hereditary non-polyposis colorectal cancer, type 5. Identifiers: Orphanet 144, MedGen C1833477, MONDO:0013710, OMIM 614350. Disease mechanism: loss of function.

Submissions (2):

Myriad Genetics, Inc.
Classification: Pathogenic for Lynch syndrome 5. Last evaluated: 2023-08-21. Review status: criteria provided, single submitter. Criteria: Myriad Autosomal Dominant, Autosomal Recessive and X-Linked Classification Criteria (2023). Collection method: clinical testing. Allele origin: unknown.
Comment: This variant is considered pathogenic. This variant creates a frameshift predicted to result in premature protein truncation.

Ambry Genetics
Classification: Pathogenic for Hereditary cancer-predisposing syndrome. Last evaluated: 2020-03-30. Review status: criteria provided, single submitter. Criteria: Ambry Variant Classification Scheme 2023. Collection method: clinical testing. Allele origin: germline.
Comment: The c.2940_2941dupAA pathogenic mutation, located in coding exon 4 of the MSH6 gene, results from a duplication of AA at nucleotide position 2940, causing a translational frameshift with a predicted alternate stop codon (p.I981Kfs*17). This variant was not reported in population-based cohorts in the Genome Aggregation Database (gnomAD). This alteration is expected to result in loss of function by premature protein truncation or nonsense-mediated mRNA decay. As such, this alteration is interpreted as a disease-causing mutation.